The following is an entry in ClinVar:

NM_001079872.2(CUL4B):c.1674A>G (p.Lys558=)

Gene: CUL4B (cullin 4B; minus strand). Cytogenetic location: Xq24.
Variant type: single nucleotide variant.
Coding change: c.1674A>G on transcript NM_001079872.2 (MANE Select); coding-DNA position 1674, A replaced by G.
Protein change: p.Lys558=; no amino-acid change (lysine 558 retained).
Molecular consequence: synonymous variant.
Genome position (GRCh38, 1-based): chrX:120,539,335, T>C on the plus strand (A>G on the coding strand, the complement: CUL4B is on the minus strand). VCF-style: chrX-120539335-T-C. GRCh37 (hg19) VCF-style: chrX-119673190-T-C.
Other names: c.1689A>G, p.Lys563= (NM_001330624.2); c.1140A>G, p.Lys380= (NM_001369145.1); c.1728A>G, p.Lys576= (NM_003588.4).
Identifiers: ClinVar variation 3049355 (VCV003049355.4), dbSNP rs1017138439, ClinGen allele CA334123346.

ClinVar aggregate classification (germline): Likely benign. Review status: criteria provided, single submitter (1 of 4 stars). 2 submissions from 2 submitters: Likely benign (1). 1 of the submissions does not count toward it. Last evaluated 2024-05-25.

Conditions:
X-linked intellectual disability Cabezas type (MRXSC). Also called: CABEZAS SYNDROME; MENTAL RETARDATION, X-LINKED, SYNDROMIC 15; Intellectual developmental disorder, X-linked syndromic, Cabezas type. Identifiers: Orphanet 85289, Orphanet 85293, MedGen C1845861, MONDO:0010306, OMIM 300354.
CUL4B-related disorder. Also called: CUL4B-related condition.

Allele frequency attached by ClinVar (database versions not stated): gnomAD exomes 0.00001; gnomAD 0.00002; TOPMed 0.00003.
gnomAD v4.1: 11 of 1,199,007 alleles (0.00092%); highest among the groups gnomAD compares: Non-Finnish European, 0.0011%; no homozygotes.

Submissions (2):

Labcorp Genetics (formerly Invitae), Labcorp
Classification: Likely benign for X-linked intellectual disability Cabezas type. Last evaluated: 2024-05-25. Review status: criteria provided, single submitter. Criteria: Invitae Variant Classification Sherloc (09022015). Collection method: clinical testing. Allele origin: germline.

PreventionGenetics, part of Exact Sciences
Classification: Likely benign for CUL4B-related condition. Last evaluated: 2022-04-13. Review status: no assertion criteria provided. Collection method: clinical testing. Allele origin: germline. Not counted in ClinVar's aggregate classification.
Comment: This variant is classified as likely benign based on ACMG/AMP sequence variant interpretation guidelines (Richards et al. 2015 PMID: 25741868, with internal and published modifications).